The following is an entry in ClinVar:

NM_053025.4(MYLK):c.1327C>T (p.Pro443Ser)

Gene: MYLK (myosin light chain kinase; minus strand). Cytogenetic location: 3q21.1.
Variant type: single nucleotide variant.
Coding change: c.1327C>T on transcript NM_053025.4 (MANE Select); coding-DNA position 1327, C replaced by T.
Protein change: p.Pro443Ser; replaces proline 443 with serine.
Molecular consequence: missense variant. On other transcripts: intron variant (2).
Genome position (GRCh38, 1-based): chr3:123,733,085, G>A on the plus strand (C>T on the coding strand, the complement: MYLK is on the minus strand). VCF-style: chr3-123733085-G-A. GRCh37 (hg19) VCF-style: chr3-123451932-G-A.
Other names: c.1327C>T, p.Pro443Ser (NM_053027.4); c.1309+602C>T (NM_053028.4, NM_053026.4); c.799C>T, p.Pro267Ser (NM_001321309.2); short protein forms P443S, P267S.
Identifiers: ClinVar variation 226754 (VCV000226754.74), dbSNP rs35156360, ClinGen allele CA067000.
Genomic context (GRCh38, chr3:123,733,085, plus strand): 5'-CCTCAATGCTGCCTTCCTGTCTCCTCACGGGGGTGCCTTCCAGGAACCAGGCCACTTCAG[G>A]CTTTGGAATCCCGGAAACTACAGGGCCAGGTAAAGAACGTGAGCTCCCTATGCCCTGGAG-3'
Protein context (NP_444253.3, residues 433-453): FRCEVSGIPK[Pro443Ser]EVAWFLEGTP

ClinVar aggregate classification (germline): Benign/Likely benign. Review status: criteria provided, multiple submitters, no conflicts (2 of 4 stars). 17 submissions from 17 submitters: Benign (11); Likely benign (3). 3 of the submissions do not count toward it. Last evaluated 2026-09-01.

Conditions:
Familial thoracic aortic aneurysm and aortic dissection (TAAD). Also called: Thoracic aortic aneurysms and dissections. Identifiers: Orphanet 91387, MedGen C4707243, MONDO:0019625.
Aortic aneurysm, familial thoracic 7 (AAT7). Also called: AORTIC DISSECTION, FAMILIAL, WITH OR WITHOUT AORTIC ANEURYSM. Identifiers: MedGen C3151077, MONDO:0013418, OMIM 613780.
Megacystis-microcolon-intestinal hypoperistalsis syndrome 1. Identifiers: MedGen C5542316, MONDO:0100354, OMIM 249210.

Allele frequency attached by ClinVar (database versions not stated): 1000 Genomes Project 30x 0.00703; 1000 Genomes Project 0.00719; gnomAD 0.01032; TOPMed 0.01222; ESP Exome Variant Server 0.01515.

Submissions (17):

CeGaT Center for Human Genetics Tuebingen
Classification: Benign. Last evaluated: 2026-09-01. Review status: criteria provided, single submitter. Criteria: CeGaT Center For Human Genetics Tuebingen Variant Classification Criteria Version 2. Collection method: clinical testing. Allele origin: germline. Affected: yes. Observed: 66 variant alleles.
Comment: MYLK: BP4, BS1, BS2

Labcorp Genetics (formerly Invitae), Labcorp
Classification: Benign for Aortic aneurysm, familial thoracic 7. Last evaluated: 2026-02-04. Review status: criteria provided, single submitter. Criteria: Invitae Variant Classification Sherloc (09022015). Collection method: clinical testing. Allele origin: germline.

ARUP Laboratories, Molecular Genetics and Genomics, ARUP Laboratories
Classification: Benign. Last evaluated: 2025-07-29. Review status: criteria provided, single submitter. Criteria: ARUP Molecular Germline Variant Investigation Process 2024. Collection method: clinical testing. Allele origin: germline.

CHEO Genetics Diagnostic Laboratory, Children's Hospital of Eastern Ontario
Classification: Benign for Familial thoracic aortic aneurysm and aortic dissection. Last evaluated: 2022-11-18. Review status: criteria provided, single submitter. Criteria: ACMG Guidelines, 2015. Collection method: clinical testing. Allele origin: germline.

Women's Health and Genetics/Laboratory Corporation of America, LabCorp
Classification: Benign. Last evaluated: 2019-09-25. Review status: criteria provided, single submitter. Criteria: LabCorp Variant Classification Summary - May 2015. Collection method: clinical testing. Allele origin: germline.
Comment: Variant summary: MYLK c.1327C>T (p.Pro443Ser) results in a non-conservative amino acid change located in one of the immunoglobulin subtype 2 domains (IPR003598) of the encoded protein sequence. Five of five in-silico tools predict a damaging effect of the variant on protein function. The variant allele was found at a frequency of 0.014 in 280644 control chromosomes (predominantly reported within the Ashkenazi Jewish and Non-Finnish European subpopulations) in the gnomAD database, including 35 homozygotes. The observed variant frequency within the gnomAD database is approximately 500 fold of the estimated maximal expected allele frequency for a pathogenic variant in MYLK causing Aortopathy phenotype (2.5e-05), strongly suggesting that the variant is a benign polymorphism. Though the variant, c.1327C>T, has been reported to be found in a cohort of patients with familial abdominal aortic aneurysm, however, the variant was noted to be a part of complex genotypes, and it did not segregate with the disease in at least one family (van de Luijtgaarden_2015). To our knowledge no experimental evidence demonstrating its impact on protein function has been reported. Six ClinVar submissions (evaluation after 2014) cites the variant five times as benign and once as likely benign. Based on the evidence outlined above, the variant was classified as benign.

Illumina Laboratory Services, Illumina
Classification: Likely benign for Aortic aneurysm, familial thoracic 7. Last evaluated: 2018-01-13. Review status: criteria provided, single submitter. Criteria: ICSL Variant Classification Criteria 13 December 2019. Collection method: clinical testing. Allele origin: germline.
Comment: This variant was observed in the ICSL laboratory as part of a predisposition screen in an ostensibly healthy population. It had not been previously curated by ICSL or reported in the Human Gene Mutation Database (HGMD: prior to June 1st, 2018), and was therefore a candidate for classification through an automated scoring system. Utilizing variant allele frequency, disease prevalence and penetrance estimates, and inheritance mode, an automated score was calculated to assess if this variant is too frequent to cause the disease. Based on the score and internal cut-off values, a variant classified as likely benign is not then subjected to further curation. The score for this variant resulted in a classification of likely benign for this disease.

GeneDx
Classification: Benign. Last evaluated: 2016-10-10. Review status: criteria provided, single submitter. Criteria: GeneDx Variant Classification (06012015). Collection method: clinical testing. Allele origin: germline. Affected: yes.
Comment: This variant is considered likely benign or benign based on one or more of the following criteria: it is a conservative change, it occurs at a poorly conserved position in the protein, it is predicted to be benign by multiple in silico algorithms, and/or has population frequency not consistent with disease.

Eurofins Ntd Llc (ga)
Classification: Benign. Last evaluated: 2016-02-05. Review status: criteria provided, single submitter. Criteria: EGL Classification Definitions 2015. Collection method: clinical testing. Allele origin: germline. Observed: 1 variant allele, 1 homozygote.

Ambry Genetics
Classification: Benign for Familial thoracic aortic aneurysm and aortic dissection. Last evaluated: 2015-01-30. Review status: criteria provided, single submitter. Criteria: Ambry Variant Classification Scheme 2023. Collection method: clinical testing. Allele origin: germline.

Mayo Clinic Laboratories, Mayo Clinic
Classification: Benign. Last evaluated: 2014-02-13. Review status: criteria provided, single submitter. Criteria: ACMG Guidelines, 2015. Collection method: clinical testing. Allele origin: germline. Observed: 69 variant alleles.

Laboratory for Molecular Medicine, Mass General Brigham Personalized Medicine
Classification: Benign. Last evaluated: 2013-04-04. Review status: criteria provided, single submitter. Criteria: LMM Criteria. Collection method: clinical testing. Allele origin: germline. Observed: 1 variant allele.
Comment: Pro443Ser in exon 11 of MYLK: This variant is not expected to have clinical sign ificance because it has been identified in 2.0% (176/8600) of European American chromosomes from a broad population by the NHLBI Exome Sequencing Project (dbSNP rs35156360).

Breakthrough Genomics
Classification: Likely benign. Review status: criteria provided, single submitter. Criteria: ACMG Guidelines, 2015. Collection method: not provided. Allele origin: germline. Inheritance: Autosomal recessive inheritance. Affected: yes.

Center for Genomics, Ann and Robert H. Lurie Children's Hospital of Chicago
Classification: Likely benign for Megacystis-microcolon-intestinal hypoperistalsis syndrome 1; Aortic aneurysm, familial thoracic 7. Review status: criteria provided, single submitter. Criteria: ACMG Guidelines, 2015. Collection method: clinical testing. Allele origin: germline.
Comment: MYLK NM_053025.3 exon 11 p.Pro443Ser (c.1327C>T): This variant has been reported in the literature in one individual with an abdominal aortic aneurysm (van de Luijtgaarden 2015 PMID:26017485). However, this variant is also present in 1.8% (1212/64560) of European alleles in the Genome Aggregation Database, including 11 homozygotes and is present in ClinVar, with several labs classifying this variant as benign or likely benign (Variation ID:226754). Evolutionary conservation and computational predictive tools suggest that this variant may impact the protein. In summary, data on this variant suggests that this variant does not cause disease, but requires further evidence. Therefore this variant is classified as likely benign.

PreventionGenetics, part of Exact Sciences
Classification: Benign. Review status: criteria provided, single submitter. Criteria: ACMG Guidelines, 2015. Collection method: clinical testing. Allele origin: germline.

Clinical Genetics DNA and cytogenetics Diagnostics Lab, Erasmus MC, Erasmus Medical Center
Classification: Benign. Review status: no assertion criteria provided. Collection method: clinical testing. Allele origin: germline. Affected: yes. Study: VKGL Data-share Consensus. Not counted in ClinVar's aggregate classification.

Genome Diagnostics Laboratory, Amsterdam University Medical Center
Classification: Benign. Review status: no assertion criteria provided. Collection method: clinical testing. Allele origin: germline. Affected: yes. Study: VKGL Data-share Consensus. Not counted in ClinVar's aggregate classification.

Genome Diagnostics Laboratory, University Medical Center Utrecht
Classification: Benign. Review status: no assertion criteria provided. Collection method: clinical testing. Allele origin: germline. Affected: yes. Study: VKGL Data-share Consensus. Not counted in ClinVar's aggregate classification.

Literature cited by the submitters: PubMed 26017485 (cited by Women's Health and Genetics/Laboratory Corporation of America, LabCorp); PubMed 27153395 (cited by Women's Health and Genetics/Laboratory Corporation of America, LabCorp).